The following is an entry in ClinVar:

ClinVar aggregate classification (germline): Likely benign. Review status: criteria provided, multiple submitters, no conflicts (2 of 4 stars). 2 submissions from 2 submitters: Likely benign (2). Last evaluated 2018-06-14.

Allele frequency attached by ClinVar (database versions not stated): 1000 Genomes Project 0.00659; 1000 Genomes Project 30x 0.00734; TOPMed 0.01147; gnomAD 0.01225 and 0.01261; gnomAD exomes 0.01706.
gnomAD v4.1: 19,777 of 1,210,436 alleles (1.6%); highest among the groups gnomAD compares: Non-Finnish European, 2.1%; 212 homozygotes.

Submissions (2):

GeneDx
Classification: Likely benign. Last evaluated: 2018-06-14. Review status: criteria provided, single submitter. Criteria: GeneDx Variant Classification (06012015). Collection method: clinical testing. Allele origin: germline. Affected: yes.
Comment: This variant is considered likely benign or benign based on one or more of the following criteria: it is a conservative change, it occurs at a poorly conserved position in the protein, it is predicted to be benign by multiple in silico algorithms, and/or has population frequency not consistent with disease.

Breakthrough Genomics
Classification: Likely benign. Review status: criteria provided, single submitter. Criteria: ACMG Guidelines, 2015. Collection method: not provided. Allele origin: germline. Inheritance: Autosomal dominant inheritance. Affected: yes.

NM_022114.4(PRDM16):c.573+112C>A

Gene: PRDM16 (PR/SET domain 16; plus strand). Cytogenetic location: 1p36.32.
Variant type: single nucleotide variant.
Coding change: c.573+112C>A on transcript NM_022114.4 (MANE Select); 112 bases into the intron after coding-DNA position 573, C replaced by A.
Molecular consequence: intron variant.
Genome position (GRCh38, 1-based): chr1:3,385,398, C>A. VCF-style: chr1-3385398-C-A. GRCh37 (hg19) VCF-style: chr1-3301962-C-A.
Other names: c.573+112C>A (NM_199454.3).
Identifiers: ClinVar variation 674850 (VCV000674850.2), dbSNP rs78743764, ClinGen allele CA17000471.